The following is an entry in ClinVar:

NM_004656.4(BAP1):c.1814A>G (p.Glu605Gly)

Gene: BAP1 (BRCA1 associated deubiquitinase 1; minus strand). Cytogenetic location: 3p21.1.
Variant type: single nucleotide variant.
Coding change: c.1814A>G on transcript NM_004656.4 (MANE Select); coding-DNA position 1814, A replaced by G.
Protein change: p.Glu605Gly; replaces glutamic acid 605 with glycine.
Molecular consequence: missense variant.
Genome position (GRCh38, 1-based): chr3:52,403,214, T>C on the plus strand (A>G on the coding strand, the complement: BAP1 is on the minus strand). VCF-style: chr3-52403214-T-C. GRCh37 (hg19) VCF-style: chr3-52437230-T-C.
Other names: short protein forms E605G.
Identifiers: ClinVar variation 490818 (VCV000490818.6), dbSNP rs1553644725, ClinGen allele CA353098590.

ClinVar aggregate classification (germline): Uncertain significance (1 of 4 stars; one submission).

Conditions:
Hereditary cancer-predisposing syndrome. Also called: Hereditary Cancer Syndrome; Neoplastic Syndromes, Hereditary; Tumor predisposition; Hereditary neoplastic syndrome. Identifiers: Orphanet 140162, MedGen C0027672, MeSH D009386, MONDO:0015356.

Submission:

Color Diagnostics, LLC DBA Color Health
Classification: Uncertain significance for Hereditary cancer-predisposing syndrome. Last evaluated: 2023-12-05. Review status: criteria provided, single submitter. Criteria: ACMG Guidelines, 2015. Collection method: clinical testing. Allele origin: germline.
Comment: This missense variant replaces glutamic acid with glycine at codon 605 of the BAP1 protein. Computational prediction suggests that this variant may not impact protein structure and function (internally defined REVEL score threshold <= 0.5, PMID: 27666373). To our knowledge, functional studies have not been reported for this variant. This variant has not been reported in individuals affected with BAP1-related disorders in the literature. This variant has not been identified in the general population by the Genome Aggregation Database (gnomAD). The available evidence is insufficient to determine the role of this variant in disease conclusively. Therefore, this variant is classified as a Variant of Uncertain Significance.